The following is an entry in ClinVar:

ClinVar aggregate classification (germline): Likely pathogenic (1 of 4 stars; one submission).

Submissions (2):

Labcorp Genetics (formerly Invitae), Labcorp
Classification: Likely pathogenic. Last evaluated: 2024-10-15. Review status: criteria provided, single submitter. Criteria: Invitae Variant Classification Sherloc (09022015). Collection method: clinical testing. Allele origin: germline.
Comment: This sequence change affects a donor splice site in intron 1 of the ACO2 gene. It is expected to disrupt RNA splicing. Variants that disrupt the donor or acceptor splice site typically lead to a loss of protein function (PMID: 16199547), and loss-of-function variants in ACO2 are known to be pathogenic (PMID: 30689204, 32519519). This variant is not present in population databases (gnomAD no frequency). This variant has not been reported in the literature in individuals affected with ACO2-related conditions. ClinVar contains an entry for this variant (Variation ID: 2073456). Algorithms developed to predict the effect of sequence changes on RNA splicing suggest that this variant may disrupt the consensus splice site. In summary, the currently available evidence indicates that the variant is pathogenic, but additional data are needed to prove that conclusively. Therefore, this variant has been classified as Likely Pathogenic.

Dr. Peter K. Rogan Lab, Western University
No classification provided (evidence only). Condition: Ovarian serous cystadenocarcinoma. Review status: no classification provided. Collection method: in vitro. Allele origin: not applicable. Functional consequence: retained intron. Not counted in ClinVar's aggregate classification.

Literature cited by the submitters: PubMed 16199547 (cited by Labcorp Genetics (formerly Invitae), Labcorp); PubMed 30689204 (cited by Labcorp Genetics (formerly Invitae), Labcorp); PubMed 32519519 (cited by Labcorp Genetics (formerly Invitae), Labcorp).

NM_001098.3(ACO2):c.36+2T>A

Gene: ACO2 (aconitase 2; plus strand). Cytogenetic location: 22q13.2.
Variant type: single nucleotide variant.
Coding change: c.36+2T>A on transcript NM_001098.3 (MANE Select); the canonical splice donor site of the intron after coding-DNA position 36, T replaced by A.
Molecular consequence: splice donor variant.
Genome position (GRCh38, 1-based): chr22:41,469,184, T>A. VCF-style: chr22-41469184-T-A. GRCh37 (hg19) VCF-style: chr22-41865188-T-A.
Identifiers: ClinVar variation 2073456 (VCV002073456.5), dbSNP rs2518189759, ClinGen allele CA411705629.